The following is an entry in ClinVar:

NM_021020.5(LZTS1):c.1383G>A (p.Ala461=)

Gene: LZTS1 (leucine zipper tumor suppressor 1; minus strand). Cytogenetic location: 8p21.3.
Variant type: single nucleotide variant.
Coding change: c.1383G>A on transcript NM_021020.5 (MANE Select); coding-DNA position 1383, G replaced by A.
Protein change: p.Ala461=; no amino-acid change (alanine 461 retained).
Molecular consequence: synonymous variant.
Genome position (GRCh38, 1-based): chr8:20,250,130, C>T on the plus strand (G>A on the coding strand, the complement: LZTS1 is on the minus strand). VCF-style: chr8-20250130-C-T. GRCh37 (hg19) VCF-style: chr8-20107641-C-T.
Other names: c.1383G>A (NM_021020.3); c.1383G>A, p.Ala461= (NM_001362884.2).
Identifiers: ClinVar variation 2966971 (VCV002966971.5), dbSNP rs35939758, ClinGen allele CA4657286.

ClinVar aggregate classification (germline): Likely benign. Review status: criteria provided, single submitter (1 of 4 stars). 2 submissions from 2 submitters: Likely benign (1). 1 of the submissions does not count toward it. Last evaluated 2024-12-26.

Conditions:
LZTS1-related disorder. Also called: LZTS1-related condition.

Allele frequency attached by ClinVar (database versions not stated): ExAC 0.00001; gnomAD exomes 0.00001; gnomAD 0.00003; TOPMed 0.00003; 1000 Genomes Project 0.00020; 1000 Genomes Project 30x 0.00031.
gnomAD v4.1: 20 of 1,607,814 alleles (0.0012%); highest among the groups gnomAD compares: African/African-American, 0.0053%; no homozygotes.

Submissions (2):

Labcorp Genetics (formerly Invitae), Labcorp
Classification: Likely benign. Last evaluated: 2024-12-26. Review status: criteria provided, single submitter. Criteria: Invitae Variant Classification Sherloc (09022015). Collection method: clinical testing. Allele origin: germline.

PreventionGenetics, part of Exact Sciences
Classification: Likely benign for LZTS1-related condition. Last evaluated: 2021-04-14. Review status: no assertion criteria provided. Collection method: clinical testing. Allele origin: germline. Not counted in ClinVar's aggregate classification.
Comment: This variant is classified as likely benign based on ACMG/AMP sequence variant interpretation guidelines (Richards et al. 2015 PMID: 25741868, with internal and published modifications).